The following is an entry in ClinVar:

NM_000548.5(TSC2):c.206A>G (p.Lys69Arg)

Gene: TSC2 (TSC complex subunit 2; plus strand). Cytogenetic location: 16p13.3.
Variant type: single nucleotide variant.
Coding change: c.206A>G on transcript NM_000548.5 (MANE Select); coding-DNA position 206, A replaced by G.
Protein change: p.Lys69Arg; replaces lysine 69 with arginine.
Molecular consequence: missense variant. On other transcripts: 5 prime UTR variant (1).
Genome position (GRCh38, 1-based): chr16:2,050,467, A>G. VCF-style: chr16-2050467-A-G. GRCh37 (hg19) VCF-style: chr16-2100468-A-G.
Other names: c.206A>G, p.Lys69Arg (NM_001077183.3, NM_001114382.3, NM_001318827.2 and 13 more transcripts); c.59A>G, p.Lys20Arg (NM_001318829.2, NM_001406675.1, NM_001406676.1 and 2 more transcripts); c.-21A>G (NM_001318831.2, NM_001406682.1, NM_001406684.1 and 3 more transcripts); c.239A>G, p.Lys80Arg (NM_001318832.2); c.-611A>G (NM_001406680.1, NM_001406683.1, NM_001406687.1); c.-240A>G (NM_001406681.1); c.-1226A>G (NM_001406689.1, NM_001406690.1, NM_001406691.1 and 2 more transcripts); c.-1532A>G (NM_001406693.1); and 3 more; short protein forms K20R, K69R, K80R.
Identifiers: ClinVar variation 1785341 (VCV001785341.6), dbSNP rs756020849, ClinGen allele CA036166.

ClinVar aggregate classification (germline): Conflicting classifications of pathogenicity. Review status: criteria provided, conflicting classifications (1 of 4 stars). 2 submissions from 2 submitters: Uncertain significance (1); Benign (1). Last evaluated 2024-05-15.

Conditions:
Hereditary cancer-predisposing syndrome. Also called: Tumor predisposition; Neoplastic Syndromes, Hereditary; Hereditary Cancer Syndrome; Hereditary neoplastic syndrome. Identifiers: Orphanet 140162, MedGen C0027672, MeSH D009386, MONDO:0015356.
Tuberous sclerosis 2 (TSC2). Identifiers: Orphanet 805, MedGen C1860707, MONDO:0013199, OMIM 613254.

Allele frequency attached by ClinVar (database versions not stated): ExAC 0.00001.
gnomAD v4.1: 1 of 1,614,000 alleles (0.000062%); highest among the groups gnomAD compares: Non-Finnish European, 0.000085%; no homozygotes.

Submissions (2):

Labcorp Genetics (formerly Invitae), Labcorp
Classification: Benign for Tuberous sclerosis 2. Last evaluated: 2024-05-15. Review status: criteria provided, single submitter. Criteria: Invitae Variant Classification Sherloc (09022015). Collection method: clinical testing. Allele origin: germline.

Ambry Genetics
Classification: Uncertain significance for Hereditary cancer-predisposing syndrome. Last evaluated: 2023-03-10. Review status: criteria provided, single submitter. Criteria: Ambry Variant Classification Scheme 2023. Collection method: clinical testing. Allele origin: germline.
Comment: The p.K69R variant (also known as c.206A>G), located in coding exon 2 of the TSC2 gene, results from an A to G substitution at nucleotide position 206. The lysine at codon 69 is replaced by arginine, an amino acid with highly similar properties. This amino acid position is highly conserved in available vertebrate species. In addition, this alteration is predicted to be tolerated by in silico analysis. Since supporting evidence is limited at this time, the clinical significance of this alteration remains unclear.